The following is an entry in ClinVar:

NM_006231.4(POLE):c.712A>G (p.Ile238Val)

Gene: POLE (DNA polymerase epsilon, catalytic subunit; minus strand). Cytogenetic location: 12q24.33.
Variant type: single nucleotide variant.
Coding change: c.712A>G on transcript NM_006231.4 (MANE Select); coding-DNA position 712, A replaced by G.
Protein change: p.Ile238Val; replaces isoleucine 238 with valine.
Molecular consequence: missense variant.
Genome position (GRCh38, 1-based): chr12:132,677,586, T>C on the plus strand (A>G on the coding strand, the complement: POLE is on the minus strand). VCF-style: chr12-132677586-T-C. GRCh37 (hg19) VCF-style: chr12-133254172-T-C.
Other names: short protein forms I238V.
Identifiers: ClinVar variation 3625485 (VCV003625485.2).

ClinVar aggregate classification (germline): Uncertain significance (1 of 4 stars; one submission).

gnomAD v4.1: 1 of 1,614,182 alleles (0.000062%); highest among the groups gnomAD compares: African/African-American, 0.0013%; no homozygotes.

Submission:

Labcorp Genetics (formerly Invitae), Labcorp
Classification: Uncertain significance. Last evaluated: 2024-07-30. Review status: criteria provided, single submitter. Criteria: Invitae Variant Classification Sherloc (09022015). Collection method: clinical testing. Allele origin: germline.
Comment: This sequence change replaces isoleucine, which is neutral and non-polar, with valine, which is neutral and non-polar, at codon 238 of the POLE protein (p.Ile238Val). This variant is present in population databases (no rsID available, gnomAD 0.007%). This variant has not been reported in the literature in individuals affected with POLE-related conditions. Advanced modeling of protein sequence and biophysical properties (such as structural, functional, and spatial information, amino acid conservation, physicochemical variation, residue mobility, and thermodynamic stability) performed at Invitae indicates that this missense variant is not expected to disrupt POLE protein function with a negative predictive value of 80%. In summary, the available evidence is currently insufficient to determine the role of this variant in disease. Therefore, it has been classified as a Variant of Uncertain Significance.